The following is an entry in ClinVar:

NM_178013.4(PRIMA1):c.433G>A (p.Gly145Arg)

Gene: PRIMA1 (proline rich membrane anchor 1; minus strand). Cytogenetic location: 14q32.12.
Variant type: single nucleotide variant.
Coding change: c.433G>A on transcript NM_178013.4 (MANE Select); coding-DNA position 433, G replaced by A.
Protein change: p.Gly145Arg; replaces glycine 145 with arginine.
Molecular consequence: missense variant.
Genome position (GRCh38, 1-based): chr14:93,721,473, C>T on the plus strand (G>A on the coding strand, the complement: PRIMA1 is on the minus strand). VCF-style: chr14-93721473-C-T. GRCh37 (hg19) VCF-style: chr14-94187819-C-T.
Other names: c.433G>A (NM_178013.3); short protein forms G145R.
Identifiers: ClinVar variation 1419590 (VCV001419590.6), dbSNP rs779293897, ClinGen allele CA7322996.

ClinVar aggregate classification (germline): Uncertain significance. Review status: criteria provided, multiple submitters, no conflicts (2 of 4 stars). 2 submissions from 2 submitters: Uncertain significance (2). Last evaluated 2025-06-07.

Conditions:
Familial sleep-related hypermotor epilepsy. Also called: Autosomal Dominant Sleep-Related Hypermotor (Hyperkinetic) Epilepsy. Identifiers: Orphanet 98784, MedGen C3696898, MONDO:0000030.

Allele frequency attached by ClinVar (database versions not stated): gnomAD exomes 0.00002 and 0.00005; ExAC 0.00003.
gnomAD v4.1: 9 of 1,613,820 alleles (0.00056%); highest among the groups gnomAD compares: East Asian, 0.018%; no homozygotes.

Submissions (2):

Ambry Genetics
Classification: Uncertain significance. Last evaluated: 2025-06-07. Review status: criteria provided, single submitter. Criteria: Ambry Variant Classification Scheme 2023. Collection method: clinical testing. Allele origin: germline.

Labcorp Genetics (formerly Invitae), Labcorp
Classification: Uncertain significance for Familial sleep-related hypermotor epilepsy. Last evaluated: 2021-08-30. Review status: criteria provided, single submitter. Criteria: Invitae Variant Classification Sherloc (09022015). Collection method: clinical testing. Allele origin: germline.
Comment: This sequence change replaces glycine with arginine at codon 145 of the PRIMA1 protein (p.Gly145Arg). The glycine residue is moderately conserved and there is a moderate physicochemical difference between glycine and arginine. This variant is present in population databases (rs779293897, ExAC 0.05%). This variant has not been reported in the literature in individuals affected with PRIMA1-related conditions. Algorithms developed to predict the effect of missense changes on protein structure and function are either unavailable or do not agree on the potential impact of this missense change (SIFT: "Tolerated"; PolyPhen-2: "Possibly Damaging"; Align-GVGD: "Class C0"). In summary, the available evidence is currently insufficient to determine the role of this variant in disease. Therefore, it has been classified as a Variant of Uncertain Significance.